The following is an entry in ClinVar:

NM_001374353.1(GLI2):c.2449C>T (p.Arg817Cys)

Gene: GLI2 (GLI family zinc finger 2; plus strand). Cytogenetic location: 2q14.2.
Variant type: single nucleotide variant.
Coding change: c.2449C>T on transcript NM_001374353.1 (MANE Select); coding-DNA position 2449, C replaced by T.
Protein change: p.Arg817Cys; replaces arginine 817 with cysteine.
Molecular consequence: missense variant.
Genome position (GRCh38, 1-based): chr2:120,988,414, C>T. VCF-style: chr2-120988414-C-T. GRCh37 (hg19) VCF-style: chr2-121745990-C-T.
Other names: c.2500C>T, p.Arg834Cys (NM_001371271.1, NM_005270.5); c.2074C>T, p.Arg692Cys (NM_001374354.1); short protein forms R692C, R817C, R834C.
Identifiers: ClinVar variation 2662970 (VCV002662970.1), dbSNP rs1440364367, ClinGen allele CA348167280.
Genomic context (GRCh38, chr2:120,988,414, plus strand): 5'-AGCTCGGCCTACACCGTGAGCCGCCGCTCCTCCGGCATCTCCCCCTACTTCTCCAGCCGC[C>T]GCTCCAGCGAGGCCTCGCCCCTGGGCGCCGGCCGCCCGCACAACGCGAGCTCCGCTGACT-3'
Protein context (NP_001361282.1, residues 807-827): SGISPYFSSR[Arg817Cys]SSEASPLGAG

ClinVar aggregate classification (germline): Uncertain significance (1 of 4 stars; one submission).

Allele frequency attached by ClinVar (database versions not stated): gnomAD exomes below 0.00001; TOPMed below 0.00001.
gnomAD v4.1: 1 of 1,574,238 alleles (0.000064%); highest among the groups gnomAD compares: South Asian, 0.0011%; no homozygotes.

Submission:

GeneDx
Classification: Uncertain significance. Last evaluated: 2023-04-20. Review status: criteria provided, single submitter. Criteria: GeneDx Variant Classification Process June 2021. Collection method: clinical testing. Allele origin: germline. Affected: yes.
Comment: In silico analysis supports that this missense variant has a deleterious effect on protein structure/function; Has not been previously published as pathogenic or benign to our knowledge